The following is an entry in ClinVar:

NM_001184.4(ATR):c.3580A>G (p.Arg1194Gly)

Gene: ATR (ATR checkpoint kinase; minus strand). Cytogenetic location: 3q23.
Variant type: single nucleotide variant.
Coding change: c.3580A>G on transcript NM_001184.4 (MANE Select); coding-DNA position 3580, A replaced by G.
Protein change: p.Arg1194Gly; replaces arginine 1194 with glycine.
Molecular consequence: missense variant.
Genome position (GRCh38, 1-based): chr3:142,540,905, T>C on the plus strand (A>G on the coding strand, the complement: ATR is on the minus strand). VCF-style: chr3-142540905-T-C. GRCh37 (hg19) VCF-style: chr3-142259747-T-C.
Other names: c.3388A>G, p.Arg1130Gly (NM_001354579.2); short protein forms R1130G, R1194G.
Identifiers: ClinVar variation 1732891 (VCV001732891.2), dbSNP rs2034026847, ClinGen allele CA354807690.
Genomic context (GRCh38, chr3:142,540,905, plus strand): 5'-TTAGTGCTACTGGAAAATGCAAAAAAAAAAAAAATTAATAAACTCAGGCAGTCATTTACC[T>C]GCAACACAATTCAGGAAAATCATCCTTGAATCGAAGGCCAGTTCTCAGTGTGGTCATCAT-3'
Protein context (NP_001175.2, residues 1184-1204): FKDDFPELCC[Arg1194Gly]AWDCFVRCLD

ClinVar aggregate classification (germline): Uncertain significance (1 of 4 stars; one submission).

Conditions:
Inborn genetic diseases. Identifiers: MedGen C0950123, MeSH D030342.

Allele frequency attached by ClinVar (database versions not stated): TOPMed below 0.00001.

Submission:

Ambry Genetics
Classification: Uncertain significance for Inborn genetic diseases. Last evaluated: 2021-07-09. Review status: criteria provided, single submitter. Criteria: Ambry Variant Classification Scheme 2023. Collection method: clinical testing. Allele origin: germline.
Comment: The p.R1194G variant (also known as c.3580A>G), located in coding exon 18 of the ATR gene, results from an A to G substitution at nucleotide position 3580. The arginine at codon 1194 is replaced by glycine, an amino acid with dissimilar properties. This amino acid position is conserved. In addition, this alteration is predicted to be tolerated by in silico analysis. Since supporting evidence is limited at this time, the clinical significance of this alteration remains unclear.